The following is an entry in ClinVar:

ClinVar aggregate classification (germline): Uncertain significance (1 of 4 stars; one submission).

Conditions:
Familial adenomatous polyposis 2. Also called: FAP type 2; Adenomas, multiple colorectal; MUTYH-associated polyposis; MUTYH-related attenuated familial adenomatous polyposis; MYH-associated polyposis; COLORECTAL ADENOMATOUS POLYPOSIS, AUTOSOMAL RECESSIVE. Identifiers: Orphanet 220460, Orphanet 247798, MedGen C3272841, MONDO:0012041, OMIM 608456.

Submission:

Labcorp Genetics (formerly Invitae), Labcorp
Classification: Uncertain significance for Familial adenomatous polyposis 2. Last evaluated: 2022-10-08. Review status: criteria provided, single submitter. Criteria: Invitae Variant Classification Sherloc (09022015). Collection method: clinical testing. Allele origin: germline.
Comment: Algorithms developed to predict the effect of missense changes on protein structure and function (SIFT, PolyPhen-2, Align-GVGD) all suggest that this variant is likely to be disruptive. In summary, the available evidence is currently insufficient to determine the role of this variant in disease. Therefore, it has been classified as a Variant of Uncertain Significance. This variant has not been reported in the literature in individuals affected with MUTYH-related conditions. This variant is not present in population databases (gnomAD no frequency). This sequence change replaces glycine, which is neutral and non-polar, with valine, which is neutral and non-polar, at codon 176 of the MUTYH protein (p.Gly176Val).

NM_001048174.2(MUTYH):c.443G>T (p.Gly148Val)

Gene: MUTYH (mutY DNA glycosylase; minus strand). Cytogenetic location: 1p34.1.
Variant type: single nucleotide variant.
Coding change: c.443G>T on transcript NM_001048174.2 (MANE Select); coding-DNA position 443, G replaced by T.
Protein change: p.Gly148Val; replaces glycine 148 with valine.
Molecular consequence: missense variant. On other transcripts: non-coding transcript variant (2).
Genome position (GRCh38, 1-based): chr1:45,332,812, C>A on the plus strand (G>T on the coding strand, the complement: MUTYH is on the minus strand). VCF-style: chr1-45332812-C-A. GRCh37 (hg19) VCF-style: chr1-45798484-C-A.
Other names: c.443G>T, p.Gly148Val (NM_001048171.2, NM_001048173.2, NM_001293195.2 and 6 more transcripts); c.446G>T, p.Gly149Val (NM_001048172.2, NM_001407071.1, NM_001407078.1 and 1 more transcripts); c.527G>T, p.Gly176Val (NM_001128425.2); c.488G>T, p.Gly163Val (NM_001293190.2); c.476G>T, p.Gly159Val (NM_001293191.2, NM_001407069.1, NM_001407077.1); c.167G>T, p.Gly56Val (NM_001293192.2, NM_001293196.2, NM_001407091.1); c.98G>T, p.Gly33Val (NM_001350650.2, NM_001350651.2, NM_001407082.1); c.359G>T, p.Gly120Val (NM_001407075.1); and 5 more; short protein forms G120V, G134V, G149V, G155V, G159V, G163V, G173V, G135V.
Identifiers: ClinVar variation 2135295 (VCV002135295.4), dbSNP rs1060501345, ClinGen allele CA340135764.
Genomic context (GRCh38, chr1:45,332,812, plus strand): 5'-CATCCCCTTACCTTCCGAGCTCCCTCCTGCAGCCGCCGGCCACGAGAATAGTAGCCCAGG[C>A]CAGCCCAGAGTTGATTCACCTCCTGTGGGTAGGATCAGAGGTCAAAGAGATCACCCGTCA-3'
Protein context (NP_001041639.1, residues 138-158): SLEEVNQLWA[Gly148Val]LGYYSRGRRL